The following is an entry in ClinVar:

NM_004655.4(AXIN2):c.2137C>T (p.Gln713Ter)

Gene: AXIN2 (axin 2; minus strand). Cytogenetic location: 17q24.1.
Variant type: single nucleotide variant.
Coding change: c.2137C>T on transcript NM_004655.4 (MANE Select); coding-DNA position 2137, C replaced by T.
Protein change: p.Gln713Ter; replaces glutamine 713 with a stop codon.
Molecular consequence: nonsense.
Genome position (GRCh38, 1-based): chr17:65,536,324, G>A on the plus strand (C>T on the coding strand, the complement: AXIN2 is on the minus strand). VCF-style: chr17-65536324-G-A. GRCh37 (hg19) VCF-style: chr17-63532442-G-A.
Other names: c.1942C>T, p.Gln648Ter (NM_001363813.1); short protein forms Q648*, Q713*.
Identifiers: ClinVar variation 841462 (VCV000841462.12), dbSNP rs2043913790, ClinGen allele CA400675909.

ClinVar aggregate classification (germline): Pathogenic/Likely pathogenic. Review status: criteria provided, multiple submitters, no conflicts (2 of 4 stars). 3 submissions from 3 submitters: Pathogenic (2); Likely pathogenic (1). Last evaluated 2025-02-06.

Conditions:
Oligodontia-cancer predisposition syndrome. Also called: TOOTH AGENESIS-COLORECTAL CANCER SYNDROME. Identifiers: Orphanet 300576, MedGen C1837750, MONDO:0012075, OMIM 608615. Disease mechanism: loss of function.
Hereditary cancer-predisposing syndrome. Also called: Hereditary Cancer Syndrome; Hereditary neoplastic syndrome; Tumor predisposition; Neoplastic Syndromes, Hereditary. Identifiers: Orphanet 140162, MedGen C0027672, MeSH D009386, MONDO:0015356.
Colorectal cancer. Also called: Malignant Colorectal Neoplasm; Colorectal cancer, somatic. Identifiers: MedGen C0346629, MONDO:0005575, OMIM 114500.

Submissions (3):

Ambry Genetics
Classification: Pathogenic for Hereditary cancer-predisposing syndrome. Last evaluated: 2025-02-06. Review status: criteria provided, single submitter. Criteria: Ambry Variant Classification Scheme 2023. Collection method: clinical testing. Allele origin: germline.
Comment: The p.Q713* pathogenic mutation (also known as c.2137C>T), located in coding exon 7 of the AXIN2 gene, results from a C to T substitution at nucleotide position 2137. This changes the amino acid from a glutamine to a stop codon within coding exon 7. This alteration is expected to result in loss of function by premature protein truncation or nonsense-mediated mRNA decay. As such, this alteration is interpreted as a disease-causing mutation.

Labcorp Genetics (formerly Invitae), Labcorp
Classification: Pathogenic for Oligodontia-cancer predisposition syndrome. Last evaluated: 2023-11-08. Review status: criteria provided, single submitter. Criteria: Invitae Variant Classification Sherloc (09022015). Collection method: clinical testing. Allele origin: germline.
Comment: This sequence change creates a premature translational stop signal (p.Gln713*) in the AXIN2 gene. It is expected to result in an absent or disrupted protein product. Loss-of-function variants in AXIN2 are known to be pathogenic (PMID: 15042511, 21416598). This variant is not present in population databases (gnomAD no frequency). This variant has not been reported in the literature in individuals affected with AXIN2-related conditions. ClinVar contains an entry for this variant (Variation ID: 841462). For these reasons, this variant has been classified as Pathogenic.

Baylor Genetics
Classification: Likely pathogenic for Colorectal cancer. Last evaluated: 2022-03-18. Review status: criteria provided, single submitter. Criteria: ACMG Guidelines, 2015. Collection method: clinical testing. Allele origin: unknown.

Literature cited by the submitters: PubMed 15042511 (cited by Labcorp Genetics (formerly Invitae), Labcorp); PubMed 21416598 (cited by Labcorp Genetics (formerly Invitae), Labcorp).